The following is an entry in ClinVar:

NM_017433.5(MYO3A):c.3027C>T (p.Ser1009=)

Gene: MYO3A (myosin IIIA; plus strand). Cytogenetic location: 10p12.1.
Variant type: single nucleotide variant.
Coding change: c.3027C>T on transcript NM_017433.5 (MANE Select); coding-DNA position 3027, C replaced by T.
Protein change: p.Ser1009=; no amino-acid change (serine 1009 retained).
Molecular consequence: synonymous variant.
Genome position (GRCh38, 1-based): chr10:26,166,094, C>T. VCF-style: chr10-26166094-C-T. GRCh37 (hg19) VCF-style: chr10-26455023-C-T.
Identifiers: ClinVar variation 227665 (VCV000227665.12), dbSNP rs141341808, ClinGen allele CA5445142.
Genomic context (GRCh38, chr10:26,166,094, plus strand): 5'-GCAATACTAACCAGCCCTTTTTTCCATTCCAAGGTACTACCTTCTCTGCTACAAGTCGAG[C>T]GAGGAGCCCCGCATGAGCCCTGACACCTGTGCCACCATTTTGGAAAAAGCTGGTCTCGAT-3'
Protein context (NP_059129.3, residues 999-1019): KRYYLLCYKS[Ser1009=]EEPRMSPDTC

ClinVar aggregate classification (germline): Likely benign. Review status: criteria provided, multiple submitters, no conflicts (2 of 4 stars). 3 submissions from 3 submitters: Likely benign (3). Last evaluated 2025-09-02.

Allele frequency attached by ClinVar (database versions not stated): TOPMed 0.00006; gnomAD 0.00007; ESP Exome Variant Server 0.00008; gnomAD exomes 0.00011 and 0.00006; ExAC 0.00005.
gnomAD v4.1: 169 of 1,613,990 alleles (0.01%); highest among the groups gnomAD compares: Non-Finnish European, 0.013%; no homozygotes.

Submissions (3):

Labcorp Genetics (formerly Invitae), Labcorp
Classification: Likely benign. Last evaluated: 2025-09-02. Review status: criteria provided, single submitter. Criteria: Invitae Variant Classification Sherloc (09022015). Collection method: clinical testing. Allele origin: germline.

GeneDx
Classification: Likely benign. Last evaluated: 2021-05-07. Review status: criteria provided, single submitter. Criteria: GeneDx Variant Classification Process June 2021. Collection method: clinical testing. Allele origin: germline. Affected: yes.

Laboratory for Molecular Medicine, Mass General Brigham Personalized Medicine
Classification: Likely benign. Last evaluated: 2016-03-31. Review status: criteria provided, single submitter. Criteria: LMM Criteria. Collection method: clinical testing. Allele origin: germline. Observed: 1 variant allele.
Comment: p.Ser1009Ser in exon 27 of MYO3A: This variant is not expected to have clinical significance because it does not alter an amino acid residue, is not located wit hin the splice consensus sequence, and has been identified in 6/66638 European c hromosomes by the Exome Aggregation Consortium (ExAC .org; dbSNP rs141341808).